The following is an entry in ClinVar:

ClinVar aggregate classification (germline): Uncertain significance (1 of 4 stars; one submission).

Allele frequency attached by ClinVar (database versions not stated): gnomAD 0.00001; gnomAD exomes 0.00001; ExAC 0.00002.
gnomAD v4.1: 8 of 1,613,848 alleles (0.0005%); highest among the groups gnomAD compares: South Asian, 0.0088%; 1 homozygote.

Submission:

Labcorp Genetics (formerly Invitae), Labcorp
Classification: Uncertain significance. Last evaluated: 2021-09-17. Review status: criteria provided, single submitter. Criteria: Invitae Variant Classification Sherloc (09022015). Collection method: clinical testing. Allele origin: germline.
Comment: This sequence change replaces glutamine with proline at codon 455 of the LCA5 protein (p.Gln455Pro). The glutamine residue is weakly conserved and there is a moderate physicochemical difference between glutamine and proline. This variant is present in population databases (rs769955953, ExAC 0.02%), including at least one homozygous and/or hemizygous individual. This variant has not been reported in the literature in individuals with LCA5-related conditions. Algorithms developed to predict the effect of missense changes on protein structure and function (SIFT, PolyPhen-2, Align-GVGD) all suggest that this variant is likely to be tolerated, but these predictions have not been confirmed by published functional studies and their clinical significance is uncertain. In summary, the available evidence is currently insufficient to determine the role of this variant in disease. Therefore, it has been classified as a Variant of Uncertain Significance.

NM_001122769.3(LCA5):c.1364A>C (p.Gln455Pro)

Gene: LCA5 (lebercilin LCA5; minus strand). Cytogenetic location: 6q14.1.
Variant type: single nucleotide variant.
Coding change: c.1364A>C on transcript NM_001122769.3 (MANE Select); coding-DNA position 1364, A replaced by C.
Protein change: p.Gln455Pro; replaces glutamine 455 with proline.
Molecular consequence: missense variant.
Genome position (GRCh38, 1-based): chr6:79,487,734, T>G on the plus strand (A>C on the coding strand, the complement: LCA5 is on the minus strand). VCF-style: chr6-79487734-T-G. GRCh37 (hg19) VCF-style: chr6-80197451-T-G.
Other names: c.1364A>C, p.Gln455Pro (NM_181714.4); short protein forms Q455P.
Identifiers: ClinVar variation 1472899 (VCV001472899.5), dbSNP rs769955953, ClinGen allele CA3900837.
Genomic context (GRCh38, chr6:79,487,734, plus strand): 5'-TCAATTTCATTCAGTTTAGCAAGTAGCATTTCTCTCTTCAGTCTTTCTTCTTCCTCTCCT[T>G]GCAATTTATCCATATTCTGAATTGGATACATTCCTAGTTGGTACCTTCCAGTTTCCCACT-3'
Protein context (NP_001116241.1, residues 445-465): MYPIQNMDKL[Gln455Pro]GEEEERLKRE